The following is an entry in ClinVar:

NM_138711.6(PPARG):c.914T>C (p.Val305Ala)

Gene: PPARG (peroxisome proliferator activated receptor gamma; plus strand). Cytogenetic location: 3p25.2.
Variant type: single nucleotide variant.
Coding change: c.914T>C on transcript NM_138711.6 (MANE Select); coding-DNA position 914, T replaced by C.
Protein change: p.Val305Ala; replaces valine 305 with alanine.
Molecular consequence: missense variant. On other transcripts: intron variant (5).
Genome position (GRCh38, 1-based): chr3:12,416,888, T>C. VCF-style: chr3-12416888-T-C. GRCh37 (hg19) VCF-style: chr3-12458387-T-C.
Other names: c.914T>C, p.Val305Ala (NM_001354666.3, NM_001354667.3, NM_001374263.2 and 3 more transcripts); c.287T>C, p.Val96Ala (NM_001354669.2); c.1004T>C, p.Val335Ala (NM_015869.5); c.729+10807T>C (NM_001374261.3, NM_001374262.3, NM_001330615.4); c.653+10889T>C (NM_001374266.1); c.819+10807T>C (NM_001374265.1); short protein forms V305A, V335A, V96A.
Identifiers: ClinVar variation 4882224 (VCV004882224.2).

ClinVar aggregate classification (germline): Uncertain significance (1 of 4 stars; one submission).

Submission:

Dasa
Classification: Uncertain significance. Last evaluated: 2024-12-18. Review status: criteria provided, single submitter. Criteria: DASA Assertion Criteria. Collection method: clinical testing. Allele origin: germline.
Comment: NM_138711.6(PPARG):c.914T>C (p.Val305Ala) is a missense variant that results in the substitution of valine with alanine. This variant is absent from population databases. The currently available literature and clinical evidence are not sufficient to establish a definitive association between this variant and the reported condition. Therefore, this variant is classified as a variant of uncertain significance.